The following is an entry in ClinVar:

NM_153704.6(TMEM67):c.2508T>A (p.Ser836=)

Gene: TMEM67 (transmembrane protein 67; plus strand). Cytogenetic location: 8q22.1.
Variant type: single nucleotide variant.
Coding change: c.2508T>A on transcript NM_153704.6 (MANE Select); coding-DNA position 2508, T replaced by A.
Protein change: p.Ser836=; no amino-acid change (serine 836 retained).
Molecular consequence: synonymous variant. On other transcripts: non-coding transcript variant (1).
Genome position (GRCh38, 1-based): chr8:93,808,908, T>A. VCF-style: chr8-93808908-T-A. GRCh37 (hg19) VCF-style: chr8-94821136-T-A.
Other names: c.2265T>A, p.Ser755= (NM_001142301.1).
Identifiers: ClinVar variation 1967553 (VCV001967553.8), dbSNP rs748566666, ClinGen allele CA4808320.

ClinVar aggregate classification (germline): Likely benign. Review status: criteria provided, multiple submitters, no conflicts (2 of 4 stars). 4 submissions from 4 submitters: Likely benign (4). Last evaluated 2026-07-01.

Conditions:
TMEM67-related disorder. Also called: TMEM67-related condition; TMEM67-related disorders. Identifiers: MedGen CN239423.
Meckel-Gruber syndrome. Also called: DYSENCEPHALIA SPLANCHNOCYSTICA; GRUBER SYNDROME; Dysencephalia splachnocystica. Identifiers: Orphanet 564, MedGen C0265215, MONDO:0018921.
Joubert syndrome. Also called: JOUBERT-BOLTSHAUSER SYNDROME; Familial aplasia of the vermis. Identifiers: Orphanet 475, MedGen C5979921, MONDO:0018772.

Allele frequency attached by ClinVar (database versions not stated): ExAC 0.00002; TOPMed 0.00006; gnomAD 0.00007.
gnomAD v4.1: 131 of 1,612,838 alleles (0.0081%); highest among the groups gnomAD compares: Non-Finnish European, 0.011%; no homozygotes.

Submissions (4):

CeGaT Center for Human Genetics Tuebingen
Classification: Likely benign. Last evaluated: 2026-07-01. Review status: criteria provided, single submitter. Criteria: CeGaT Center For Human Genetics Tuebingen Variant Classification Criteria Version 2. Collection method: clinical testing. Allele origin: germline. Affected: yes. Observed: 1 variant allele.
Comment: TMEM67: BP4, BP7

Labcorp Genetics (formerly Invitae), Labcorp
Classification: Likely benign for Joubert syndrome; Meckel-Gruber syndrome. Last evaluated: 2025-09-02. Review status: criteria provided, single submitter. Criteria: Invitae Variant Classification Sherloc (09022015). Collection method: clinical testing. Allele origin: germline.

PreventionGenetics, part of Exact Sciences
Classification: Likely benign for TMEM67-related condition. Last evaluated: 2025-06-13. Review status: criteria provided, single submitter. Criteria: ACMG Guidelines, 2015. Collection method: clinical testing. Allele origin: germline.
Comment: This variant is classified as likely benign based on ACMG/AMP sequence variant interpretation guidelines (Richards et al. 2015 PMID: 25741868, with internal and published modifications).

Blueprint Genetics
Classification: Likely benign. Last evaluated: 2024-09-24. Review status: criteria provided, single submitter. Criteria: ACMG Guidelines, 2015. Collection method: clinical testing. Allele origin: germline.